The following is an entry in ClinVar:

ClinVar aggregate classification (germline): Pathogenic (1 of 4 stars; one submission).

Conditions:
Polycystic kidney disease, adult type (PKD1). Also called: Polycystic Kidney Disease 1, Autosomal Dominant; POLYCYSTIC KIDNEY DISEASE, ADULT, TYPE I; Polycystic kidney disease 1; Polycystic kidney disease 1, severe; POLYCYSTIC KIDNEY DISEASE 1 WITH OR WITHOUT POLYCYSTIC LIVER DISEASE; Polycystic Kidney, Autosomal Dominant. Identifiers: MedGen C3149841, MONDO:0008263, OMIM 173900.

Submission:

MVZ Medizinische Genetik Mainz
Classification: Pathogenic for Polycystic kidney disease, adult type. Last evaluated: 2026-03-11. Review status: criteria provided, single submitter. Criteria: UK Practice Guidelines For Variant Classification V4 01 2020. Collection method: clinical testing. Allele origin: germline. Inheritance: Autosomal dominant inheritance. Affected: yes. Observed: 1 variant allele.
Comment: ACMG Criteria: PVS1,PM2_SUP,PP4

NM_001009944.3(PKD1):c.8992del (p.His2998fs)

Gene: PKD1 (polycystin 1, transient receptor potential channel interacting; minus strand). Cytogenetic location: 16p13.3.
Variant type: Deletion.
Coding change: c.8992del on transcript NM_001009944.3 (MANE Select); coding-DNA position 8992, one base deleted (C; older notation c.8992delC).
Protein change: p.His2998fs; shifts the reading frame from histidine 2998.
Molecular consequence: frameshift variant.
Genome position (GRCh38, 1-based): chr16:2,102,590, G deleted on the plus strand (C on the coding strand, the reverse complement: PKD1 is on the minus strand); the first of 2 consecutive G bases (chr16:2,102,590-2,102,591); deleting either gives the same sequence. VCF-style (leftmost placement, unchanged base first): chr16-2102589-TG-T. GRCh37 (hg19) VCF-style: chr16-2152590-TG-T.
Other names: c.8992del, p.His2998fs (NM_000296.4); short protein forms H2998fs.
Identifiers: ClinVar variation 5038109 (VCV005038109.1).